The following is an entry in ClinVar:

ClinVar aggregate classification (germline): Uncertain significance. Review status: criteria provided, multiple submitters, no conflicts (2 of 4 stars). 5 submissions from 3 submitters: Uncertain significance (5). Last evaluated 2023-04-11.

Conditions:
Cardiomyopathy, familial restrictive, 3. Identifiers: Orphanet 75249, MedGen C2676271, MONDO:0012900, OMIM 612422.
Dilated cardiomyopathy 1D. Identifiers: Orphanet 154, Orphanet 54260, MedGen C1832243, MONDO:0011095, OMIM 601494.
Hypertrophic cardiomyopathy 2. Also called: TNNT2-Related Familial Hypertrophic Cardiomyopathy. Identifiers: MedGen C1861864, MONDO:0007266, OMIM 115195.

Submissions (5):

Genome-Nilou Lab
Classification: Uncertain significance for Dilated cardiomyopathy 1D. Last evaluated: 2023-04-11. Review status: criteria provided, single submitter. Criteria: ACMG Guidelines, 2015. Collection method: clinical testing. Allele origin: germline. Affected: no.

Genome-Nilou Lab
Classification: Uncertain significance for Cardiomyopathy, familial restrictive, 3. Last evaluated: 2023-04-11. Review status: criteria provided, single submitter. Criteria: ACMG Guidelines, 2015. Collection method: clinical testing. Allele origin: germline. Affected: no.

Genome-Nilou Lab
Classification: Uncertain significance for Hypertrophic cardiomyopathy 2. Last evaluated: 2023-04-11. Review status: criteria provided, single submitter. Criteria: ACMG Guidelines, 2015. Collection method: clinical testing. Allele origin: germline. Affected: no.

GeneDx
Classification: Uncertain significance. Last evaluated: 2020-09-17. Review status: criteria provided, single submitter. Criteria: GeneDx Variant Classification Process June 2021. Collection method: clinical testing. Allele origin: germline. Affected: yes.
Comment: Not observed in large population cohorts (Lek et al., 2016); In silico analysis supports that this missense variant does not alter protein structure/function; Has not been previously published as pathogenic or benign to our knowledge

Agnes Ginges Centre for Molecular Cardiology, Centenary Institute
Classification: Uncertain significance for Hypertrophic cardiomyopathy 2. Last evaluated: 2018-10-16. Review status: criteria provided, single submitter. Criteria: ACMG Guidelines, 2015. Collection method: research. Allele origin: germline. Inheritance: Autosomal dominant inheritance. Affected: yes.
Comment: This variant has been identified as part of our research program. Refer to the 'condition' field for the phenotype of the proband(s) identified with this variant. For further information please feel free to contact us.

NM_001276345.2(TNNT2):c.522C>A (p.Asn174Lys)

Gene: TNNT2 (troponin T2, cardiac type; minus strand). Cytogenetic location: 1q32.1.
Variant type: single nucleotide variant.
Coding change: c.522C>A on transcript NM_001276345.2 (MANE Select); coding-DNA position 522, C replaced by A.
Protein change: p.Asn174Lys; replaces asparagine 174 with lysine.
Molecular consequence: missense variant.
Genome position (GRCh38, 1-based): chr1:201,363,374, G>T on the plus strand (C>A on the coding strand, the complement: TNNT2 is on the minus strand). VCF-style: chr1-201363374-G-T. GRCh37 (hg19) VCF-style: chr1-201332502-G-T.
Other names: p.N164K:AAC>AAA; c.492C>A, p.Asn164Lys (NM_001001430.3, NM_001001431.3, NM_001276347.2); c.477C>A, p.Asn159Lys (NM_001001432.3); c.402C>A, p.Asn134Lys (NM_001276346.2); c.522C>A, p.Asn174Lys (NM_000364.4); short protein forms N164K, N174K, N134K, N159K.
Identifiers: ClinVar variation 181621 (VCV000181621.6), dbSNP rs483352833, ClinGen allele CA004658.